The following is an entry in ClinVar:

NM_000179.3(MSH6):c.2255G>T (p.Gly752Val)

Gene: MSH6 (mutS homolog 6; plus strand). Cytogenetic location: 2p16.3.
Variant type: single nucleotide variant.
Coding change: c.2255G>T on transcript NM_000179.3 (MANE Select); coding-DNA position 2255, G replaced by T.
Protein change: p.Gly752Val; replaces glycine 752 with valine.
Molecular consequence: missense variant.
Genome position (GRCh38, 1-based): chr2:47,800,238, G>T. VCF-style: chr2-47800238-G-T. GRCh37 (hg19) VCF-style: chr2-48027377-G-T.
Other names: c.1349G>T, p.Gly450Val (NM_001406816.1, NM_001406823.1, NM_001406829.1 and 6 more transcripts); c.1958G>T, p.Gly653Val (NM_001406818.1, NM_001406819.1, NM_001406820.1 and 10 more transcripts); c.2087G>T, p.Gly696Val (NM_001406826.1); c.1865G>T, p.Gly622Val (NM_001281492.2); c.2351G>T, p.Gly784Val (NM_001406795.1, NM_001406802.1); c.2255G>T, p.Gly752Val (NM_001406796.1, NM_001406798.1, NM_001406800.1 and 3 more transcripts); c.1730G>T, p.Gly577Val (NM_001406799.1, NM_001406806.1, NM_001406807.1); c.2177G>T, p.Gly726Val (NM_001406804.1); and 1 more; short protein forms G577V, G653V, G450V, G696V, G726V, G752V, G754V, G622V.
Identifiers: ClinVar variation 1788513 (VCV001788513.3), dbSNP rs2104396566, ClinGen allele CA346752709.

ClinVar aggregate classification (germline): Uncertain significance. Review status: criteria provided, multiple submitters, no conflicts (2 of 4 stars). 2 submissions from 2 submitters: Uncertain significance (2). Last evaluated 2025-04-18.

Conditions:
Hereditary cancer-predisposing syndrome. Also called: Hereditary Cancer Syndrome; Hereditary neoplastic syndrome; Tumor predisposition; Neoplastic Syndromes, Hereditary. Identifiers: Orphanet 140162, MedGen C0027672, MeSH D009386, MONDO:0015356.
Hereditary nonpolyposis colorectal neoplasms. Identifiers: MedGen C0009405, MeSH D003123.

Submissions (2):

Labcorp Genetics (formerly Invitae), Labcorp
Classification: Uncertain significance for Hereditary nonpolyposis colorectal neoplasms. Last evaluated: 2025-04-18. Review status: criteria provided, single submitter. Criteria: Invitae Variant Classification Sherloc (09022015). Collection method: clinical testing. Allele origin: germline.
Comment: This sequence change replaces glycine, which is neutral and non-polar, with valine, which is neutral and non-polar, at codon 752 of the MSH6 protein (p.Gly752Val). This variant is not present in population databases (gnomAD no frequency). This variant has not been reported in the literature in individuals affected with MSH6-related conditions. ClinVar contains an entry for this variant (Variation ID: 1788513). Invitae Evidence Modeling of protein sequence and biophysical properties (such as structural, functional, and spatial information, amino acid conservation, physicochemical variation, residue mobility, and thermodynamic stability) has been performed for this missense variant. However, the output from this modeling did not meet the statistical confidence thresholds required to predict the impact of this variant on MSH6 protein function. In summary, the available evidence is currently insufficient to determine the role of this variant in disease. Therefore, it has been classified as a Variant of Uncertain Significance.

Ambry Genetics
Classification: Uncertain significance for Hereditary cancer-predisposing syndrome. Last evaluated: 2019-10-02. Review status: criteria provided, single submitter. Criteria: Ambry Variant Classification Scheme 2023. Collection method: clinical testing. Allele origin: germline.
Comment: The p.G752V variant (also known as c.2255G>T), located in coding exon 4 of the MSH6 gene, results from a G to T substitution at nucleotide position 2255. The glycine at codon 752 is replaced by valine, an amino acid with dissimilar properties. This amino acid position is highly conserved in available vertebrate species. In addition, this alteration is predicted to be deleterious by in silico analysis. Since supporting evidence is limited at this time, the clinical significance of this alteration remains unclear.